The following is an entry in ClinVar:

NM_000089.4(COL1A2):c.955G>A (p.Gly319Arg)

Gene: COL1A2 (collagen type I alpha 2 chain; plus strand). Cytogenetic location: 7q21.3.
Variant type: single nucleotide variant.
Coding change: c.955G>A on transcript NM_000089.4 (MANE Select); coding-DNA position 955, G replaced by A.
Protein change: p.Gly319Arg; replaces glycine 319 with arginine.
Molecular consequence: missense variant.
Genome position (GRCh38, 1-based): chr7:94,409,741, G>A. VCF-style: chr7-94409741-G-A. GRCh37 (hg19) VCF-style: chr7-94039053-G-A.
Other names: short protein forms G319R.
Identifiers: ClinVar variation 3759117 (VCV003759117.2).
Genomic context (GRCh38, chr7:94,409,741, plus strand): 5'-CCATCACCTCCCTAATGGACCACACTGCATTTTCCTTCACAGGGCCTTCCCGGCGTTGCT[G>A]GGGCTCCCGGCCTCCCTGGACCCCGCGGTATTCCTGGCCCTGTTGGTGCTGCCGGTGCTA-3'
Protein context (NP_000080.2, residues 309-329): KGAAGLPGVA[Gly319Arg]APGLPGPRGI

ClinVar aggregate classification (germline): Pathogenic (1 of 4 stars; one submission).

Conditions:
Ehlers-Danlos syndrome, classic type, 1 (EDSCL1). Also called: EHLERS-DANLOS SYNDROME, GRAVIS TYPE; EHLERS-DANLOS SYNDROME, SEVERE CLASSIC TYPE; Ehlers-Danlos syndrome, type 1; Ehlers-Danlos Syndrome, Classic Type, COL5A1-Related; EDS I. Identifiers: MedGen C0268335, MONDO:0019567, OMIM 130000.
Osteogenesis imperfecta type I (OI1). Also called: OI, TYPE I; OSTEOGENESIS IMPERFECTA TARDA; OSTEOGENESIS IMPERFECTA WITH BLUE SCLERAE; Osteogenesis imperfecta type 1; Lobstein's Disease; Lobstein disease. Identifiers: Orphanet 216796, Orphanet 666, MedGen C0023931, MONDO:0008146, OMIM 166200. Disease mechanism: loss of function.

Submission:

Labcorp Genetics (formerly Invitae), Labcorp
Classification: Pathogenic for Osteogenesis imperfecta type I; Ehlers-Danlos syndrome, classic type, 1. Last evaluated: 2024-08-21. Review status: criteria provided, single submitter. Criteria: Invitae Variant Classification Sherloc (09022015). Collection method: clinical testing. Allele origin: germline.
Comment: This sequence change replaces glycine, which is neutral and non-polar, with arginine, which is basic and polar, at codon 319 of the COL1A2 protein (p.Gly319Arg). This variant is not present in population databases (gnomAD no frequency). This missense change has been observed in individuals with osteogenesis imperfecta (PMID: 16786509, 32123938). Invitae Evidence Modeling of protein sequence and biophysical properties (such as structural, functional, and spatial information, amino acid conservation, physicochemical variation, residue mobility, and thermodynamic stability) indicates that this missense variant is expected to disrupt COL1A2 protein function with a positive predictive value of 95%. This variant disrupts the triple helix domain of COL1A2. Glycine residues within the Gly-Xaa-Yaa repeats of the triple helix domain are required for the structure and stability of fibrillar collagens (PMID: 7695699, 8218237, 19344236). In COL1A2, variants affecting these glycine residues are significantly enriched in individuals with disease (PMID: 9016532, 17078022) compared to the general population (ExAC). This variant disrupts the p.Gly319 amino acid residue in COL1A2. Other variant(s) that disrupt this residue have been observed in individuals with COL1A2-related conditions (PMID: 16786509, 32123938; internal data), which suggests that this may be a clinically significant amino acid residue. For these reasons, this variant has been classified as Pathogenic.

Literature cited by the submitters: PubMed 16786509; PubMed 32123938; PubMed 7695699; PubMed 8218237; PubMed 19344236; PubMed 9016532; PubMed 17078022.